The following is an entry in ClinVar:

NM_001376.5(DYNC1H1):c.4710-2A>C

Gene: DYNC1H1 (dynein cytoplasmic 1 heavy chain 1; plus strand). Cytogenetic location: 14q32.31.
Variant type: single nucleotide variant.
Coding change: c.4710-2A>C on transcript NM_001376.5 (MANE Select); the canonical splice acceptor site of the intron before coding-DNA position 4710, A replaced by C.
Molecular consequence: splice acceptor variant.
Genome position (GRCh38, 1-based): chr14:102,002,790, A>C. VCF-style: chr14-102002790-A-C. GRCh37 (hg19) VCF-style: chr14-102469127-A-C.
Identifiers: ClinVar variation 1809970 (VCV001809970.1), dbSNP rs2503734139, ClinGen allele CA391043341.
Genomic context (GRCh38, chr14:102,002,790, plus strand): 5'-TTTGCCAGCGGCTAGTGACTACTCTACACAAAGGCTGACGCATGTTTTAATTTCATTTGT[A>C]GCATCAGCACTGAGTTTTTGGCTCTAATGAAAAAAGTGTCCAAGTCTCCCCTTGTTATGG-3'

ClinVar aggregate classification (germline): Uncertain significance (1 of 4 stars; one submission).

Allele frequency attached by ClinVar (database versions not stated): gnomAD exomes below 0.00001.
gnomAD v4.1: 1 of 1,614,260 alleles (0.000062%); highest among the groups gnomAD compares: Non-Finnish European, 0.000085%; no homozygotes.

Submission:

GeneDx
Classification: Uncertain significance. Last evaluated: 2022-06-27. Review status: criteria provided, single submitter. Criteria: GeneDx Variant Classification Process June 2021. Collection method: clinical testing. Allele origin: germline. Affected: yes.
Comment: Not observed at significant frequency in large population cohorts (gnomAD); Canonical splice site variant with an unclear effect on protein function; Has not been previously published as pathogenic or benign to our knowledge